The following is an entry in ClinVar:

NM_015072.5(TTLL5):c.2742C>T (p.His914=)

Gene: TTLL5 (tubulin tyrosine ligase like 5; plus strand). Cytogenetic location: 14q24.3.
Variant type: single nucleotide variant.
Coding change: c.2742C>T on transcript NM_015072.5 (MANE Select); coding-DNA position 2742, C replaced by T.
Protein change: p.His914=; no amino-acid change (histidine 914 retained).
Molecular consequence: synonymous variant.
Genome position (GRCh38, 1-based): chr14:75,783,286, C>T. VCF-style: chr14-75783286-C-T. GRCh37 (hg19) VCF-style: chr14-76249629-C-T.
Other names: c.2742C>T (NM_015072.4).
Identifiers: ClinVar variation 1106401 (VCV001106401.11), dbSNP rs199750590, ClinGen allele CA7279803.
Genomic context (GRCh38, chr14:75,783,286, plus strand): 5'-AATTCCCAACACCCATTTGTCATCTGTTACAACCTCTGACCTCTCTCCAGGGCCTTGCCA[C>T]CATTCTTCTTTATCTCAAATTCCTTCAGCTATCCCCAGCATGCCTCACCAGCCAACAATT-3'
Protein context (NP_055887.3, residues 904-924): TTSDLSPGPC[His914=]HSSLSQIPSA

ClinVar aggregate classification (germline): Likely benign. Review status: criteria provided, multiple submitters, no conflicts (2 of 4 stars). 3 submissions from 3 submitters: Likely benign (3). Last evaluated 2025-12-16.

Conditions:
TTLL5-related disorder. Also called: TTLL5-related condition.

Allele frequency attached by ClinVar (database versions not stated): ExAC 0.00002; gnomAD 0.00003; gnomAD exomes 0.00003 and 0.00005; TOPMed 0.00003; ESP Exome Variant Server 0.00008.
gnomAD v4.1: 72 of 1,614,080 alleles (0.0045%); highest among the groups gnomAD compares: Non-Finnish European, 0.0059%; no homozygotes.

Submissions (3):

Labcorp Genetics (formerly Invitae), Labcorp
Classification: Likely benign. Last evaluated: 2025-12-16. Review status: criteria provided, single submitter. Criteria: Invitae Variant Classification Sherloc (09022015). Collection method: clinical testing. Allele origin: germline.

PreventionGenetics, part of Exact Sciences
Classification: Likely benign for TTLL5-related condition. Last evaluated: 2024-11-07. Review status: criteria provided, single submitter. Criteria: ACMG Guidelines, 2015. Collection method: clinical testing. Allele origin: germline.
Comment: This variant is classified as likely benign based on ACMG/AMP sequence variant interpretation guidelines (Richards et al. 2015 PMID: 25741868, with internal and published modifications).

Blueprint Genetics
Classification: Likely benign. Last evaluated: 2024-09-08. Review status: criteria provided, single submitter. Criteria: ACMG Guidelines, 2015. Collection method: clinical testing. Allele origin: germline.